The following is an entry in ClinVar:

ClinVar aggregate classification (germline): Uncertain significance (1 of 4 stars; one submission).

Conditions:
Basal ganglia calcification, idiopathic, 7, autosomal recessive. Also called: PRIMARY FAMILIAL BRAIN CALCIFICATION 7, AUTOSOMAL RECESSIVE. Identifiers: MedGen C5193025, MONDO:0032673, OMIM 618317.

Submission:

OLLIN Analises Genomicas, OLLIN
Classification: Uncertain significance for Basal ganglia calcification, idiopathic, 7, autosomal recessive. Last evaluated: 2026-08-06. Review status: criteria provided, single submitter. Criteria: ACMG Guidelines 2015 PMID 25741868. Collection method: clinical testing. Allele origin: germline.
Comment: This missense variant, located in exon 2 (of 2), has been observed in gnomAD with an allele frequency of 0.000062%, but has not been reported in ClinVar or identified in the literature. In silico analysis predicts that this variant has a deleterious effect. According to the currently available evidence, this variant has been classified as uncertain significance (PM2_P, PP3_M).

NM_020702.5(MYORG):c.1465C>T (p.Arg489Cys)

Gene: MYORG (myogenesis regulating glycosidase; minus strand). Cytogenetic location: 9p13.3.
Variant type: single nucleotide variant.
Coding change: c.1465C>T on transcript NM_020702.5 (MANE Select); coding-DNA position 1465, C replaced by T.
Protein change: p.Arg489Cys; replaces arginine 489 with cysteine.
Molecular consequence: missense variant.
Genome position (GRCh38, 1-based): chr9:34,371,479, G>A on the plus strand (C>T on the coding strand, the complement: MYORG is on the minus strand). VCF-style: chr9-34371479-G-A. GRCh37 (hg19) VCF-style: chr9-34371477-G-A.
Other names: short protein forms R489C.
Identifiers: ClinVar variation 5002980 (VCV005002980.1).